The following is an entry in ClinVar:

NM_002049.4(GATA1):c.219A>G (p.Pro73=)

Gene: GATA1 (GATA binding protein 1; plus strand). Cytogenetic location: Xp11.23.
Variant type: single nucleotide variant.
Coding change: c.219A>G on transcript NM_002049.4 (MANE Select); coding-DNA position 219, A replaced by G.
Protein change: p.Pro73=; no amino-acid change (proline 73 retained).
Molecular consequence: synonymous variant.
Genome position (GRCh38, 1-based): chrX:48,791,328, A>G. VCF-style: chrX-48791328-A-G. GRCh37 (hg19) VCF-style: chrX-48649735-A-G.
Identifiers: ClinVar variation 998076 (VCV000998076.2), dbSNP rs2062674480, ClinGen allele CA516029857.
Genomic context (GRCh38, chrX:48,791,328, plus strand): 5'-CACCGCTGCAGCTGCGGCACTGGCCTACTACAGGGACGCTGAGGCCTACAGACACTCCCC[A>G]GGTAACTCCATTGAGTGGCTGTCTTGGCATTGGCTGAGTGCTGTTGGGGTTGCCATGGAG-3'
Protein context (NP_002040.1, residues 63-83): YRDAEAYRHS[Pro73=]VFQVYPLLNC

ClinVar aggregate classification (germline): Conflicting classifications of pathogenicity. Review status: criteria provided, conflicting classifications (1 of 4 stars). 2 submissions from 2 submitters: Pathogenic (1); Uncertain significance (1). Last evaluated 2026-07-20.

Conditions:
GATA1-related disorder. Also called: GATA1-related condition.
Acute megakaryoblastic leukemia in down syndrome. Identifiers: Orphanet 99887, MedGen C5925108, MONDO:0020526.

Submissions (2):

PreventionGenetics, part of Exact Sciences
Classification: Uncertain significance for GATA1-related condition. Last evaluated: 2026-07-20. Review status: criteria provided, single submitter. Criteria: ACMG Guidelines, 2015. Collection method: clinical testing. Allele origin: germline.
Comment: The GATA1 c.219A>G variant is not predicted to result in an amino acid change (p.=). This variant has been reported in COSMIC in tumor samples associated with trisomy 21 related myeloid dysplasias (COSMIC ID: COSV64962765). This variant has not been reported in a large population database (gnomAD), indicating this variant is rare. At this time, the clinical significance of this variant is uncertain due to the absence of conclusive functional and genetic evidence.

Genomic Diagnostic Laboratory, Division of Genomic Diagnostics, Children's Hospital of Philadelphia
Classification: Pathogenic for Acute megakaryoblastic leukemia in down syndrome. Last evaluated: 2020-09-01. Review status: criteria provided, single submitter. Criteria: AMP Guidelines, 2017. Collection method: clinical testing. Allele origin: somatic. Affected: yes. Observed: 1 variant allele.